The following is an entry in ClinVar:

NM_001242896.3(DEPDC5):c.3811A>G (p.Met1271Val)

Gene: DEPDC5 (DEP domain containing 5, GATOR1 subcomplex subunit; plus strand). Cytogenetic location: 22q12.3.
Variant type: single nucleotide variant.
Coding change: c.3811A>G on transcript NM_001242896.3 (MANE Select); coding-DNA position 3811, A replaced by G.
Protein change: p.Met1271Val; replaces methionine 1271 with valine.
Molecular consequence: missense variant. On other transcripts: non-coding transcript variant (5).
Genome position (GRCh38, 1-based): chr22:31,879,530, A>G. VCF-style: chr22-31879530-A-G. GRCh37 (hg19) VCF-style: chr22-32275516-A-G.
Other names: c.3784A>G, p.Met1262Val (NM_001136029.4); c.3511A>G, p.Met1171Val (NM_001242897.2); c.3745A>G, p.Met1249Val (NM_001363852.2, NM_001364320.2); c.3577A>G, p.Met1193Val (NM_001363854.2, NM_001364319.2); c.3811A>G, p.Met1271Val (NM_001364318.2); c.3727A>G, p.Met1243Val (NM_001369901.1, NM_001369902.1); c.3718A>G, p.Met1240Val (NM_001369903.1, NM_014662.6); short protein forms M1249V, M1262V, M1171V, M1240V, M1271V, M1193V, M1243V.
Identifiers: ClinVar variation 1408384 (VCV001408384.6), dbSNP rs373588101, ClinGen allele CA411281572.

ClinVar aggregate classification (germline): Uncertain significance (1 of 4 stars; one submission).

Conditions:
Familial focal epilepsy with variable foci (FPEVF). Identifiers: Orphanet 98820, MedGen C1858477, MONDO:0020310.

Allele frequency attached by ClinVar (database versions not stated): gnomAD 0.00001.

Submission:

Labcorp Genetics (formerly Invitae), Labcorp
Classification: Uncertain significance for Familial focal epilepsy with variable foci. Last evaluated: 2024-04-12. Review status: criteria provided, single submitter. Criteria: Invitae Variant Classification Sherloc (09022015). Collection method: clinical testing. Allele origin: germline.
Comment: This sequence change replaces methionine, which is neutral and non-polar, with valine, which is neutral and non-polar, at codon 1271 of the DEPDC5 protein (p.Met1271Val). This variant is not present in population databases (gnomAD no frequency). This variant has not been reported in the literature in individuals affected with DEPDC5-related conditions. ClinVar contains an entry for this variant (Variation ID: 1408384). Algorithms developed to predict the effect of missense changes on protein structure and function output the following: SIFT: "Not Available"; PolyPhen-2: "Not Available"; Align-GVGD: "Not Available". The valine amino acid residue is found in multiple mammalian species, which suggests that this missense change does not adversely affect protein function. In summary, the available evidence is currently insufficient to determine the role of this variant in disease. Therefore, it has been classified as a Variant of Uncertain Significance.